The following is an entry in ClinVar:

NM_006208.3(ENPP1):c.1165-1G>T

Gene: ENPP1 (ectonucleotide pyrophosphatase/phosphodiesterase 1; plus strand). Cytogenetic location: 6q23.2.
Variant type: single nucleotide variant.
Coding change: c.1165-1G>T on transcript NM_006208.3 (MANE Select); the canonical splice acceptor site of the intron before coding-DNA position 1165, G replaced by T.
Molecular consequence: splice acceptor variant.
Genome position (GRCh38, 1-based): chr6:131,868,017, G>T. VCF-style: chr6-131868017-G-T. GRCh37 (hg19) VCF-style: chr6-132189157-G-T.
Identifiers: ClinVar variation 4732755 (VCV004732755.1).

ClinVar aggregate classification (germline): Likely pathogenic (1 of 4 stars; one submission).

Submission:

Labcorp Genetics (formerly Invitae), Labcorp
Classification: Likely pathogenic. Last evaluated: 2025-12-21. Review status: criteria provided, single submitter. Criteria: Invitae Variant Classification Sherloc (09022015). Collection method: clinical testing. Allele origin: germline.
Comment: This sequence change affects an acceptor splice site in intron 11 of the ENPP1 gene. It is expected to disrupt RNA splicing. Variants that disrupt the donor or acceptor splice site typically lead to a loss of protein function (PMID: 16199547), and loss-of-function variants in ENPP1 are known to be pathogenic (PMID: 12881724, 15605415, 16369898, 20016754, 20137773, 22539483). This variant is not present in population databases (gnomAD no frequency). This variant has not been reported in the literature in individuals affected with ENPP1-related conditions. Algorithms developed to predict the effect of sequence changes on RNA splicing suggest that this variant may disrupt the consensus splice site. In summary, the currently available evidence indicates that the variant is pathogenic, but additional data are needed to prove that conclusively. Therefore, this variant has been classified as Likely Pathogenic.

Literature cited by the submitters: PubMed 16199547; PubMed 12881724; PubMed 15605415; PubMed 16369898; PubMed 20016754; PubMed 20137773; PubMed 22539483.